The following is an entry in ClinVar:

NM_014516.4(CNOT3):c.2095C>T (p.His699Tyr)

Gene: CNOT3 (CCR4-NOT transcription complex subunit 3; plus strand). Cytogenetic location: 19q13.42.
Variant type: single nucleotide variant.
Coding change: c.2095C>T on transcript NM_014516.4 (MANE Select); coding-DNA position 2095, C replaced by T.
Protein change: p.His699Tyr; replaces histidine 699 with tyrosine.
Molecular consequence: missense variant.
Genome position (GRCh38, 1-based): chr19:54,153,772, C>T. VCF-style: chr19-54153772-C-T. GRCh37 (hg19) VCF-style: chr19-54657509-C-T.
Other names: short protein forms H699Y.
Identifiers: ClinVar variation 3387817 (VCV003387817.1).

ClinVar aggregate classification (germline): Likely pathogenic (1 of 4 stars; one submission).

Conditions:
Intellectual developmental disorder with speech delay, autism, and dysmorphic facies. Identifiers: MedGen C5231456, MONDO:0032864, OMIM 618672.

Submission:

Cytogenetique et Genetique Moleculaire, CHU Besancon
Classification: Likely pathogenic for Intellectual developmental disorder with speech delay, autism, and dysmorphic facies. Last evaluated: 2023-08-13. Review status: criteria provided, single submitter. Criteria: ACMG Guidelines, 2015. Collection method: clinical testing. Allele origin: germline. Affected: yes.
Comment: The NM_014516.4:c.2095C>T variant is a missense variant in a gene with low rate of benign missense mutations and for which missense mutation is a common mechanism of a disease (Missense Z-score =3,78) (PP2). This variant was identified in three symptomatic patients in the same family and was inherited from an asymptomatic parent, in whom the mutation was present in mosaic form (PS2). This variant is not present in gnomAD v4.1.0 (PM2). In summary, this variant meets criteria to be classified as likely pathogenic for CNOT3-related neurodevelopmental disorders based on the ACMG/AMP criteria applied (PS2 PM2 PP2).